The following is an entry in ClinVar:

ClinVar aggregate classification (germline): Uncertain significance. Review status: criteria provided, multiple submitters, no conflicts (2 of 4 stars). 2 submissions from 2 submitters: Uncertain significance (2). Last evaluated 2025-12-22.

Conditions:
Inborn genetic diseases. Identifiers: MedGen C0950123, MeSH D030342.
Evans syndrome, immunodeficiency, and premature immunosenescence associated with tripeptidyl-peptidase II deficiency. Identifiers: MedGen CN231723. Disease mechanism: loss of function.

Allele frequency attached by ClinVar (database versions not stated): TOPMed 0.00009; 1000 Genomes Project 0.00020; 1000 Genomes Project 30x 0.00031; gnomAD exomes 0.00002; gnomAD 0.00005 and 0.00006; ExAC 0.00002.
gnomAD v4.1: 76 of 1,613,006 alleles (0.0047%); highest among the groups gnomAD compares: Middle Eastern, 0.099%; no homozygotes.

Submissions (2):

Labcorp Genetics (formerly Invitae), Labcorp
Classification: Uncertain significance for Evans syndrome, immunodeficiency, and premature immunosenescence associated with tripeptidyl-peptidase II deficiency. Last evaluated: 2025-12-22. Review status: criteria provided, single submitter. Criteria: Invitae Variant Classification Sherloc (09022015). Collection method: clinical testing. Allele origin: germline.
Comment: This sequence change replaces isoleucine, which is neutral and non-polar, with leucine, which is neutral and non-polar, at codon 631 of the TPP2 protein (p.Ile631Leu). This variant is present in population databases (rs188995641, gnomAD 0.009%). This variant has not been reported in the literature in individuals affected with TPP2-related conditions. ClinVar contains an entry for this variant (Variation ID: 578630). An algorithm developed to predict the effect of missense changes on protein structure and function (PolyPhen-2) suggests that this variant is likely to be tolerated. In summary, the available evidence is currently insufficient to determine the role of this variant in disease. Therefore, it has been classified as a Variant of Uncertain Significance.

Ambry Genetics
Classification: Uncertain significance for Inborn genetic diseases. Last evaluated: 2025-10-08. Review status: criteria provided, single submitter. Criteria: Ambry Variant Classification Scheme 2023. Collection method: clinical testing. Allele origin: germline.

NM_001330588.2(TPP2):c.1891A>C (p.Ile631Leu)

Gene: TPP2 (tripeptidyl peptidase 2; plus strand). Cytogenetic location: 13q33.1.
Variant type: single nucleotide variant.
Coding change: c.1891A>C on transcript NM_001330588.2 (MANE Select); coding-DNA position 1891, A replaced by C.
Protein change: p.Ile631Leu; replaces isoleucine 631 with leucine.
Molecular consequence: missense variant. On other transcripts: non-coding transcript variant (1).
Genome position (GRCh38, 1-based): chr13:102,638,293, A>C. VCF-style: chr13-102638293-A-C. GRCh37 (hg19) VCF-style: chr13-103290643-A-C.
Other names: c.1891A>C, p.Ile631Leu (LRG_1341t1, NM_001367947.1, NM_003291.4); short protein forms I631L.
Identifiers: ClinVar variation 578630 (VCV000578630.9), dbSNP rs188995641, ClinGen allele CA7037862.
Genomic context (GRCh38, chr13:102,638,293, plus strand): 5'-TTCAAGGTATGTGGCTATGATATAGCATCCCCTAACGCAGGTCCGCTCTTCAGAGTTCCG[A>C]TCACTGCAGTTATAGCAGCAAAGTAAGTAACAGGTTACTCACAGCTTACTGGTACATCTA-3'
Protein context (NP_001317517.1, residues 621-641): PNAGPLFRVP[Ile631Leu]TAVIAAKVNE